The following is an entry in ClinVar:

NM_001174089.2(SLC4A11):c.523G>A (p.Val175Ile)

Gene: SLC4A11 (solute carrier family 4 member 11; minus strand). Cytogenetic location: 20p13.
Variant type: single nucleotide variant.
Coding change: c.523G>A on transcript NM_001174089.2 (MANE Select); coding-DNA position 523, G replaced by A.
Protein change: p.Val175Ile; replaces valine 175 with isoleucine.
Molecular consequence: missense variant. On other transcripts: non-coding transcript variant (3).
Genome position (GRCh38, 1-based): chr20:3,234,083, C>T on the plus strand (G>A on the coding strand, the complement: SLC4A11 is on the minus strand). VCF-style: chr20-3234083-C-T. GRCh37 (hg19) VCF-style: chr20-3214729-C-T.
Other names: c.652G>A, p.Val218Ile (NM_001174090.2, NM_001400280.1); c.523G>A, p.Val175Ile (NM_001363745.2); c.466G>A, p.Val156Ile (NM_001400277.1, NM_001400278.1, NM_001400279.1); c.571G>A, p.Val191Ile (NM_032034.4); short protein forms V156I, V175I, V191I, V218I.
Identifiers: ClinVar variation 3906365 (VCV003906365.1).

ClinVar aggregate classification (germline): Uncertain significance (1 of 4 stars; one submission).

gnomAD v4.1: 4 of 1,613,830 alleles (0.00025%); highest among the groups gnomAD compares: Admixed American, 0.0067%; no homozygotes.

Submission:

GeneDx
Classification: Uncertain significance. Last evaluated: 2024-12-20. Review status: criteria provided, single submitter. Criteria: GeneDx Variant Classification Process June 2021. Collection method: clinical testing. Allele origin: germline. Affected: yes.
Comment: In silico analysis indicates that this missense variant does not alter protein structure/function; In silico analysis suggests this variant may impact gene splicing. In the absence of RNA/functional studies, the actual effect of this sequence change is unknown.; Has not been previously published as pathogenic or benign to our knowledge